The following is an entry in ClinVar:

NM_001372574.1(ATXN2):c.57_68del (p.Gln25_Gln28del)

Genes: ATXN2 (ataxin 2; minus strand), LOC130008791 (ATAC-STARR-seq lymphoblastoid silent region 4872; plus strand). Cytogenetic location: 12q24.12.
Variant type: Deletion.
Coding change: c.57_68del on transcript NM_001372574.1 (MANE Select); coding-DNA positions 57 to 68, 12 bases deleted (ACAGCAGCAGCA).
Protein change: p.Gln25_Gln28del.
Molecular consequence: inframe deletion. On other transcripts: non-coding transcript variant (1), intron variant (2).
Genome position (GRCh38, 1-based): chr12:111,598,967-111,598,978, TGCTGCTGCTGT deleted on the plus strand (ACAGCAGCAGCA on the coding strand, the reverse complement: ATXN2 is on the minus strand); deleting any 12 consecutive bases within chr12:111,598,967-111,598,989 gives the same sequence; the c. name uses the placement nearest the transcript's 3' end. VCF-style (leftmost placement, unchanged base first): chr12-111598966-CTGCTGCTGCTGT-C. GRCh37 (hg19) VCF-style: chr12-112036770-CTGCTGCTGCTGT-C.
Other names: c.57_68del, p.Gln25_Gln28del (NM_002973.4); c.-28+597_-28+608del (NM_001310123.1); c.-65+597_-65+608del (NM_001310121.1).
Identifiers: ClinVar variation 2643324 (VCV002643324.24), dbSNP rs746198949, ClinGen allele CA6790970.

ClinVar aggregate classification (germline): Likely benign (1 of 4 stars; one submission).

Submission:

CeGaT Center for Human Genetics Tuebingen
Classification: Likely benign. Last evaluated: 2026-03-01. Review status: criteria provided, single submitter. Criteria: CeGaT Center For Human Genetics Tuebingen Variant Classification Criteria Version 2. Collection method: clinical testing. Allele origin: germline. Affected: yes. Observed: 7 variant alleles.
Comment: ATXN2: BS1